The following is an entry in ClinVar:

NM_013447.4(ADGRE2):c.429C>T (p.Tyr143=)

Gene: ADGRE2 (adhesion G protein-coupled receptor E2; minus strand). Cytogenetic location: 19p13.12.
Variant type: single nucleotide variant.
Coding change: c.429C>T on transcript NM_013447.4 (MANE Select); coding-DNA position 429, C replaced by T.
Protein change: p.Tyr143=; no amino-acid change (tyrosine 143 retained).
Molecular consequence: synonymous variant. On other transcripts: intron variant (1).
Genome position (GRCh38, 1-based): chr19:14,767,036, G>A on the plus strand (C>T on the coding strand, the complement: ADGRE2 is on the minus strand). VCF-style: chr19-14767036-G-A. GRCh37 (hg19) VCF-style: chr19-14877848-G-A.
Other names: c.429C>T, p.Tyr143= (NM_001271052.1, NM_152916.2); c.356-1232C>T (NM_152917.2).
Identifiers: ClinVar variation 3059959 (VCV003059959.1), dbSNP rs10418767, ClinGen allele CA9258170.

ClinVar aggregate classification (germline): Benign (1 of 4 stars; one submission).

Conditions:
ADGRE2-related disorder. Also called: ADGRE2-related condition.

Allele frequency attached by ClinVar (database versions not stated): gnomAD exomes 0.03758; 1000 Genomes Project 0.30691; 1000 Genomes Project 30x 0.46643.
gnomAD v4.1: 44,575 of 983,412 alleles (4.5%); highest among the groups gnomAD compares: African/African-American, 15%; 16,140 homozygotes.

Submission:

PreventionGenetics, part of Exact Sciences
Classification: Benign for ADGRE2-related condition. Last evaluated: 2019-10-22. Review status: criteria provided, single submitter. Criteria: ACMG Guidelines, 2015. Collection method: clinical testing. Allele origin: germline.
Comment: This variant is classified as benign based on ACMG/AMP sequence variant interpretation guidelines (Richards et al. 2015 PMID: 25741868, with internal and published modifications).